The following is an entry in ClinVar:

NM_000987.5(RPL26):c.133C>G (p.Arg45Gly)

Gene: RPL26 (ribosomal protein L26; minus strand). Cytogenetic location: 17p13.1.
Variant type: single nucleotide variant.
Coding change: c.133C>G on transcript NM_000987.5 (MANE Select); coding-DNA position 133, C replaced by G.
Protein change: p.Arg45Gly; replaces arginine 45 with glycine.
Molecular consequence: missense variant.
Genome position (GRCh38, 1-based): chr17:8,382,178, G>C on the plus strand (C>G on the coding strand, the complement: RPL26 is on the minus strand). VCF-style: chr17-8382178-G-C. GRCh37 (hg19) VCF-style: chr17-8285496-G-C.
Other names: c.133C>G, p.Arg45Gly (NM_001315530.2, NM_001315531.2); short protein forms R45G.
Identifiers: ClinVar variation 2049803 (VCV002049803.4), dbSNP rs2544009080, ClinGen allele CA398017048.
Genomic context (GRCh38, chr17:8,382,178, plus strand): 5'-AACGAGAACAAGTAGGGATACACACCTGAACTTCATCATCCTTTCGGATGGGCATGGATC[G>C]CACGTTGTACTTCTGTCTCAGCTCTTTGGAAAGAGGGGAAGACATAATCTTCCTTCGAAT-3'
Protein context (NP_000978.1, residues 35-55): SKELRQKYNV[Arg45Gly]SMPIRKDDEV

ClinVar aggregate classification (germline): Uncertain significance (1 of 4 stars; one submission).

Conditions:
Diamond-Blackfan anemia. Also called: Blackfan Diamond syndrome; Aregenerative anemia chronic congenital; Red cell aplasia, pure hereditary; Congenital hypoplastic anemia; Aase syndrome. Identifiers: Orphanet 124, MedGen C1260899, MeSH D029503, MONDO:0015253, HP:0004810.

Submission:

Labcorp Genetics (formerly Invitae), Labcorp
Classification: Uncertain significance for Diamond-Blackfan anemia. Last evaluated: 2022-01-04. Review status: criteria provided, single submitter. Criteria: Invitae Variant Classification Sherloc (09022015). Collection method: clinical testing. Allele origin: germline.
Comment: This sequence change replaces arginine, which is basic and polar, with glycine, which is neutral and non-polar, at codon 45 of the RPL26 protein (p.Arg45Gly). In summary, the available evidence is currently insufficient to determine the role of this variant in disease. Therefore, it has been classified as a Variant of Uncertain Significance. Algorithms developed to predict the effect of missense changes on protein structure and function are either unavailable or do not agree on the potential impact of this missense change (SIFT: "Deleterious"; PolyPhen-2: "Possibly Damaging"; Align-GVGD: "Class C15"). This variant has not been reported in the literature in individuals affected with RPL26-related conditions. This variant is not present in population databases (gnomAD no frequency).